The following is an entry in ClinVar:

ClinVar aggregate classification (germline): Uncertain significance. Review status: criteria provided, multiple submitters, no conflicts (2 of 4 stars). 5 submissions from 5 submitters: Uncertain significance (4). 1 of the submissions does not count toward it. Last evaluated 2024-10-14.

Conditions:
Inborn genetic diseases. Identifiers: MedGen C0950123, MeSH D030342.
Neuronal ceroid lipofuscinosis 7 (CLN7). Also called: MFSD8-Related Neuronal Ceroid-Lipofuscinosis. Identifiers: Orphanet 168491, Orphanet 228366, MedGen C1838571, MONDO:0012588, OMIM 610951.
Late-infantile neuronal ceroid lipofuscinosis. Also called: Jansky-Bielschowsky disease. Identifiers: MedGen C0022340, MONDO:0015674.

Allele frequency attached by ClinVar (database versions not stated): gnomAD 0.00001; ExAC 0.00002; gnomAD exomes 0.00002 and 0.00003; TOPMed 0.00002.
gnomAD v4.1: 49 of 1,604,834 alleles (0.0031%); highest among the groups gnomAD compares: Non-Finnish European, 0.0041%; no homozygotes.

Submissions (5):

GeneDx
Classification: Uncertain significance. Last evaluated: 2024-10-14. Review status: criteria provided, single submitter. Criteria: GeneDx Variant Classification Process June 2021. Collection method: clinical testing. Allele origin: germline. Affected: yes.
Comment: Not observed at significant frequency in large population cohorts (gnomAD); In silico analysis indicates that this missense variant does not alter protein structure/function; Has not been previously published as pathogenic or benign to our knowledge; In silico analysis is inconclusive as to whether the variant alters gene splicing. In the absence of RNA/functional studies, the actual effect of this sequence change is unknown.

Blueprint Genetics
Classification: Uncertain significance. Last evaluated: 2024-09-11. Review status: criteria provided, single submitter. Criteria: ACMG Guidelines, 2015. Collection method: clinical testing. Allele origin: germline.

Ambry Genetics
Classification: Uncertain significance for Inborn genetic diseases. Last evaluated: 2022-05-04. Review status: criteria provided, single submitter. Criteria: Ambry Variant Classification Scheme 2023. Collection method: clinical testing. Allele origin: germline.

Labcorp Genetics (formerly Invitae), Labcorp
Classification: Uncertain significance for Neuronal ceroid lipofuscinosis 7. Last evaluated: 2022-04-24. Review status: criteria provided, single submitter. Criteria: Invitae Variant Classification Sherloc (09022015). Collection method: clinical testing. Allele origin: germline.
Comment: This sequence change replaces arginine, which is basic and polar, with serine, which is neutral and polar, at codon 21 of the MFSD8 protein (p.Arg21Ser). This variant is present in population databases (rs201926015, gnomAD 0.005%). This variant has not been reported in the literature in individuals affected with MFSD8-related conditions. ClinVar contains an entry for this variant (Variation ID: 644703). Algorithms developed to predict the effect of missense changes on protein structure and function (SIFT, PolyPhen-2, Align-GVGD) all suggest that this variant is likely to be tolerated. Algorithms developed to predict the effect of sequence changes on RNA splicing suggest that this variant may disrupt the consensus splice site. In summary, the available evidence is currently insufficient to determine the role of this variant in disease. Therefore, it has been classified as a Variant of Uncertain Significance.

Natera, Inc.
Classification: Uncertain significance for Late-infantile neuronal ceroid lipofuscinosis. Last evaluated: 2021-08-28. Review status: no assertion criteria provided. Collection method: clinical testing. Allele origin: germline. Not counted in ClinVar's aggregate classification.

NM_001371596.2(MFSD8):c.63A>C (p.Arg21Ser)

Gene: MFSD8 (major facilitator superfamily domain containing 8; minus strand). Cytogenetic location: 4q28.2.
Variant type: single nucleotide variant.
Coding change: c.63A>C on transcript NM_001371596.2 (MANE Select); coding-DNA position 63, A replaced by C.
Protein change: p.Arg21Ser; replaces arginine 21 with serine.
Molecular consequence: missense variant. On other transcripts: 5 prime UTR variant (2), splice acceptor variant (1).
Genome position (GRCh38, 1-based): chr4:127,957,592, T>G on the plus strand (A>C on the coding strand, the complement: MFSD8 is on the minus strand). VCF-style: chr4-127957592-T-G. GRCh37 (hg19) VCF-style: chr4-128878747-T-G.
Other names: c.63A>C, p.Arg21Ser (NM_001363520.3, NM_001363521.3, NM_001371591.2 and 5 more transcripts); c.-73A>C (NM_001371590.2, NM_001410765.1); c.-71-2A>C (NM_001371595.1); short protein forms R21S.
Identifiers: ClinVar variation 644703 (VCV000644703.11), dbSNP rs201926015, ClinGen allele CA3077580.